The following is an entry in ClinVar:

NM_013265.4(VPS51):c.1408A>T (p.Lys470Ter)

Gene: VPS51 (VPS51 subunit of GARP complex; plus strand). Cytogenetic location: 11q13.1.
Variant type: single nucleotide variant.
Coding change: c.1408A>T on transcript NM_013265.4 (MANE Select); coding-DNA position 1408, A replaced by T.
Protein change: p.Lys470Ter; replaces lysine 470 with a stop codon.
Molecular consequence: nonsense. On other transcripts: non-coding transcript variant (1).
Genome position (GRCh38, 1-based): chr11:65,108,879, A>T. VCF-style: chr11-65108879-A-T. GRCh37 (hg19) VCF-style: chr11-64876351-A-T.
Other names: short protein forms K470*.
Identifiers: ClinVar variation 1334697 (VCV001334697.4), dbSNP rs1405788525, ClinGen allele CA381222590.

ClinVar aggregate classification (germline): Uncertain significance (1 of 4 stars; one submission).

Submission:

Greenwood Genetic Center Diagnostic Laboratories, Greenwood Genetic Center
Classification: Uncertain significance. Last evaluated: 2021-04-20. Review status: criteria provided, single submitter. Criteria: ACMG Guidelines, 2015. Collection method: clinical testing. Allele origin: germline. Affected: yes.
Comment: PM2